The following is an entry in ClinVar:

ClinVar aggregate classification (germline): Likely pathogenic (1 of 4 stars; one submission).

Submission:

Labcorp Genetics (formerly Invitae), Labcorp
Classification: Likely pathogenic. Last evaluated: 2023-06-23. Review status: criteria provided, single submitter. Criteria: Invitae Variant Classification Sherloc (09022015). Collection method: clinical testing. Allele origin: germline.
Comment: In summary, the currently available evidence indicates that the variant is pathogenic, but additional data are needed to prove that conclusively. Therefore, this variant has been classified as Likely Pathogenic. Algorithms developed to predict the effect of sequence changes on RNA splicing suggest that this variant may disrupt the consensus splice site. This variant has not been reported in the literature in individuals affected with SLC4A11-related conditions. This variant is not present in population databases (gnomAD no frequency). This sequence change affects an acceptor splice site in intron 8 of the SLC4A11 gene. It is expected to disrupt RNA splicing. Variants that disrupt the donor or acceptor splice site typically lead to a loss of protein function (PMID: 16199547), and loss-of-function variants in SLC4A11 are known to be pathogenic (PMID: 17220209, 17679935).

Literature cited by the submitters: PubMed 16199547; PubMed 17220209; PubMed 17679935.

NM_001174089.2(SLC4A11):c.1043-2A>G

Gene: SLC4A11 (solute carrier family 4 member 11; minus strand). Cytogenetic location: 20p13.
Variant type: single nucleotide variant.
Coding change: c.1043-2A>G on transcript NM_001174089.2 (MANE Select); the canonical splice acceptor site of the intron before coding-DNA position 1043, A replaced by G.
Molecular consequence: splice acceptor variant.
Genome position (GRCh38, 1-based): chr20:3,231,060, T>C on the plus strand (A>G on the coding strand, the complement: SLC4A11 is on the minus strand). VCF-style: chr20-3231060-T-C. GRCh37 (hg19) VCF-style: chr20-3211706-T-C.
Other names: c.986-2A>G (NM_001400277.1, NM_001400278.1, NM_001400279.1); c.1043-2A>G (NM_001363745.2); c.1172-2A>G (NM_001400280.1, NM_001174090.2); c.1091-2A>G (NM_032034.4).
Identifiers: ClinVar variation 2847546 (VCV002847546.3), dbSNP rs2514561147, ClinGen allele CA408089347.